The following is an entry in ClinVar:

NM_001330078.2(NRXN1):c.4007C>G (p.Thr1336Ser)

Gene: NRXN1 (neurexin 1; minus strand). Cytogenetic location: 2p16.3.
Variant type: single nucleotide variant.
Coding change: c.4007C>G on transcript NM_001330078.2 (MANE Select); coding-DNA position 4007, C replaced by G.
Protein change: p.Thr1336Ser; replaces threonine 1336 with serine.
Molecular consequence: missense variant.
Genome position (GRCh38, 1-based): chr2:50,053,392, G>C on the plus strand (C>G on the coding strand, the complement: NRXN1 is on the minus strand). VCF-style: chr2-50053392-G-C. GRCh37 (hg19) VCF-style: chr2-50280530-G-C.
Other names: c.4127C>G, p.Thr1376Ser (NM_001135659.3); c.3983C>G, p.Thr1328Ser (NM_001330077.2, NM_001330082.2); c.3851C>G, p.Thr1284Ser (NM_001330083.2); c.3941C>G, p.Thr1314Ser (NM_001330084.2); c.3980C>G, p.Thr1327Ser (NM_001330085.2); c.4007C>G, p.Thr1336Ser (NM_001330086.2); c.3806C>G, p.Thr1269Ser (NM_001330087.2, NM_001330096.2); c.3836C>G, p.Thr1279Ser (NM_001330088.2); and 6 more; short protein forms T1328S, T1335S, T1376S, T1269S, T1279S, T1284S, T1336S, T1327S.
Identifiers: ClinVar variation 2089627 (VCV002089627.4), dbSNP rs1290089122, ClinGen allele CA346819582.

ClinVar aggregate classification (germline): Uncertain significance (1 of 4 stars; one submission).

Conditions:
Pitt-Hopkins-like syndrome 2 (PTHSL2). Identifiers: Orphanet 221150, Orphanet 600663, MedGen C3280479, MONDO:0013690, OMIM 614325.

Allele frequency attached by ClinVar (database versions not stated): gnomAD exomes below 0.00001.
gnomAD v4.1: 1 of 1,613,962 alleles (0.000062%); highest among the groups gnomAD compares: Non-Finnish European, 0.000085%; no homozygotes.

Submission:

Labcorp Genetics (formerly Invitae), Labcorp
Classification: Uncertain significance for Pitt-Hopkins-like syndrome 2. Last evaluated: 2024-08-12. Review status: criteria provided, single submitter. Criteria: Invitae Variant Classification Sherloc (09022015). Collection method: clinical testing. Allele origin: germline.
Comment: This sequence change replaces threonine, which is neutral and polar, with serine, which is neutral and polar, at codon 1376 of the NRXN1 protein (p.Thr1376Ser). This variant is present in population databases (no rsID available, gnomAD 0.0009%). This variant has not been reported in the literature in individuals affected with NRXN1-related conditions. ClinVar contains an entry for this variant (Variation ID: 2089627). Advanced modeling of protein sequence and biophysical properties (such as structural, functional, and spatial information, amino acid conservation, physicochemical variation, residue mobility, and thermodynamic stability) performed at Invitae indicates that this missense variant is not expected to disrupt NRXN1 protein function with a negative predictive value of 80%. In summary, the available evidence is currently insufficient to determine the role of this variant in disease. Therefore, it has been classified as a Variant of Uncertain Significance.